The following is an entry in ClinVar:

NM_000477.7(ALB):c.1225C>T (p.Gln409Ter)

Gene: ALB (albumin; plus strand). Cytogenetic location: 4q13.3.
Variant type: single nucleotide variant.
Coding change: c.1225C>T on transcript NM_000477.7 (MANE Select); coding-DNA position 1225, C replaced by T.
Protein change: p.Gln409Ter; replaces glutamine 409 with a stop codon.
Molecular consequence: nonsense.
Genome position (GRCh38, 1-based): chr4:73,416,289, C>T. VCF-style: chr4-73416289-C-T. GRCh37 (hg19) VCF-style: chr4-74282006-C-T.
Other names: short protein forms Q409*.
Identifiers: ClinVar variation 4755693 (VCV004755693.1).

ClinVar aggregate classification (germline): Pathogenic (1 of 4 stars; one submission).

gnomAD v4.1: 1 of 1,613,598 alleles (0.000062%); highest among the groups gnomAD compares: Non-Finnish European, 0.000085%; no homozygotes.

Submission:

GeneDx
Classification: Pathogenic. Last evaluated: 2025-08-05. Review status: criteria provided, single submitter. Criteria: GeneDx Variant Classification Process June 2021. Collection method: clinical testing. Allele origin: germline. Affected: yes.
Comment: Nonsense variant predicted to result in protein truncation or nonsense mediated decay in a gene for which loss of function is a known mechanism of disease; Not observed at significant frequency in large population cohorts (gnomAD); This variant is associated with the following publications: (PMID: 25525159, 31057599, 15976105)